The following is an entry in ClinVar:

NM_002471.4(MYH6):c.5501G>T (p.Arg1834Leu)

Gene: MYH6 (myosin heavy chain 6; minus strand). Cytogenetic location: 14q11.2.
Variant type: single nucleotide variant.
Coding change: c.5501G>T on transcript NM_002471.4 (MANE Select); coding-DNA position 5501, G replaced by T.
Protein change: p.Arg1834Leu; replaces arginine 1834 with leucine.
Molecular consequence: missense variant.
Genome position (GRCh38, 1-based): chr14:23,384,506, C>A on the plus strand (G>T on the coding strand, the complement: MYH6 is on the minus strand). VCF-style: chr14-23384506-C-A. GRCh37 (hg19) VCF-style: chr14-23853715-C-A.
Other names: short protein forms R1834L.
Identifiers: ClinVar variation 2778751 (VCV002778751.3), dbSNP rs202132499, ClinGen allele CA388984084.
Genomic context (GRCh38, chr14:23,384,506, plus strand): 5'-TAGGTGAGCTCCTTGATGCGCCGCTCGCTCTTCCTCATGCCCTTCACCGACTCTGCGTTG[C>A]GCTTCTGCTCGGCCTCCAGCTCACCCTCCAGCTCCCGCACCCGCGCTTCCAGCTTCTGCA-3'
Protein context (NP_002462.2, residues 1824-1844): LEGELEAEQK[Arg1834Leu]NAESVKGMRK

ClinVar aggregate classification (germline): Uncertain significance (1 of 4 stars; one submission).

Conditions:
Hypertrophic cardiomyopathy 14. Identifiers: MedGen C2750467, MONDO:0013197, OMIM 613251.

gnomAD v4.1: 1 of 1,613,086 alleles (0.000062%); highest among the groups gnomAD compares: Non-Finnish European, 0.000085%; no homozygotes.

Submission:

Labcorp Genetics (formerly Invitae), Labcorp
Classification: Uncertain significance for Hypertrophic cardiomyopathy 14. Last evaluated: 2023-11-09. Review status: criteria provided, single submitter. Criteria: Invitae Variant Classification Sherloc (09022015). Collection method: clinical testing. Allele origin: germline.
Comment: This sequence change replaces arginine, which is basic and polar, with leucine, which is neutral and non-polar, at codon 1834 of the MYH6 protein (p.Arg1834Leu). This variant is not present in population databases (gnomAD no frequency). This variant has not been reported in the literature in individuals affected with MYH6-related conditions. Advanced modeling of protein sequence and biophysical properties (such as structural, functional, and spatial information, amino acid conservation, physicochemical variation, residue mobility, and thermodynamic stability) performed at Invitae indicates that this missense variant is expected to disrupt MYH6 protein function with a positive predictive value of 80%. In summary, the available evidence is currently insufficient to determine the role of this variant in disease. Therefore, it has been classified as a Variant of Uncertain Significance.